The following continues an entry in ClinVar:

NM_000059.4(BRCA2):c.8111C>T (p.Ser2704Phe)

Gene: BRCA2. ClinVar aggregate classification (germline): Conflicting classifications of pathogenicity. Uncertain significance (6); Benign (2); Likely benign (5).

Submissions 10 to 18 of 18:

Genetic Services Laboratory, University of Chicago
Classification: Uncertain significance. Last evaluated: 2021-12-03. Review status: criteria provided, single submitter. Criteria: ACMG Guidelines, 2015. Collection method: clinical testing. Allele origin: germline. Affected: no.
Comment: This sequence change has been previously described in individuals with personal and/or family history of breast and ovarian cancer (PMIDs: 27208206, 11389159, 19949876, 19471317). One functional assay showed unaffected DNA repair function of BRCA2 in cell lines with this variant (PMID: 30638113). Another functional study reported the variant to be proficient in complementation of BRCA2 deficient mouse embryonic stem cells and in homology-mediated DNA repair (PMID: 29988080). This sequence change has been described in the gnomAD database in 4 heterozygous individuals which corresponds to a population frequency of 0.0016% (dbSNP rs80359054). The p.Ser2704Phe change affects a moderately conserved amino acid residue located in a domain of the BRCA2 protein that is known to be functional. In-silico pathogenicity prediction tools (SIFT, PolyPhen2, Align GVGD, REVEL) provide contradictory results for the p.Ser2704Phe substitution. Due to insufficient evidence, the clinical significance of the p.Ser2704Phe change remains unknown at this time.

CeGaT Center for Human Genetics Tuebingen
Classification: Uncertain significance. Last evaluated: 2021-03-01. Review status: criteria provided, single submitter. Criteria: CeGaT Center For Human Genetics Tuebingen Variant Classification Criteria Version 2. Collection method: clinical testing. Allele origin: germline. Affected: yes. Observed: 1 variant allele.

GeneDx
Classification: Likely benign. Last evaluated: 2020-06-16. Review status: criteria provided, single submitter. Criteria: GeneDx Variant Classification Process June 2021. Collection method: clinical testing. Allele origin: germline. Affected: yes.
Comment: Not observed at a significant frequency in large population cohorts (Lek et al., 2016); This variant is associated with the following publications: (PMID: 25637381, 27208206, 28339459, 11389159, 19949876, 19471317, 19043619, 20215541, 30638113, 29988080, 26580448, 29884841)

Ambry Genetics
Classification: Likely benign for Hereditary cancer-predisposing syndrome. Last evaluated: 2020-01-23. Review status: criteria provided, single submitter. Criteria: Ambry Variant Classification Scheme 2023. Collection method: clinical testing. Allele origin: germline.

Counsyl
Classification: Uncertain significance for Breast-ovarian cancer, familial, susceptibility to, 2. Last evaluated: 2018-01-17. Review status: no assertion criteria provided. Collection method: clinical testing. Allele origin: unknown. Not counted in ClinVar's aggregate classification.

CSER _CC_NCGL, University of Washington
Classification: Uncertain significance for Breast cancer. Last evaluated: 2014-06-01. Review status: no assertion criteria provided. Collection method: research. Allele origin: germline. Inheritance: Autosomal dominant inheritance. Study: ESP 6500 variant annotation. Not counted in ClinVar's aggregate classification.
Comment: Variants classified for the Actionable exomic incidental findings in 6503 participants: challenges of variant classification manuscript

Breast Cancer Information Core (BIC) (BRCA2)
Classification: Uncertain significance for Breast-ovarian cancer, familial 2. Last evaluated: 1999-06-22. Review status: no assertion criteria provided. Collection method: clinical testing. Allele origin: germline. Affected: yes. Observed: 1 variant allele. Not counted in ClinVar's aggregate classification.

Clinical Genetics DNA and cytogenetics Diagnostics Lab, Erasmus MC, Erasmus Medical Center
Classification: Likely benign. Review status: no assertion criteria provided. Collection method: clinical testing. Allele origin: germline. Affected: yes. Study: VKGL Data-share Consensus. Not counted in ClinVar's aggregate classification.

Joint Genome Diagnostic Labs from Nijmegen and Maastricht, Radboudumc and MUMC+
Classification: Likely benign. Review status: no assertion criteria provided. Collection method: clinical testing. Allele origin: germline. Affected: yes. Study: VKGL Data-share Consensus. Not counted in ClinVar's aggregate classification.

Literature cited by the submitters: PubMed 28339459 (cited by Quest Diagnostics Nichols Institute San Juan Capistrano and Counsyl); PubMed 27208206 (cited by 4 submitters); PubMed 20215541 (cited by Quest Diagnostics Nichols Institute San Juan Capistrano and Counsyl); PubMed 19949876 (cited by 4 submitters); PubMed 19471317 (cited by 4 submitters); PubMed 29988080 (cited by 5 submitters); PubMed 11389159 (cited by 3 submitters); PubMed 19043619 (cited by Quest Diagnostics Nichols Institute San Juan Capistrano and Counsyl); PubMed 35736817 (cited by 3 submitters); PubMed 34597585 (cited by Quest Diagnostics Nichols Institute San Juan Capistrano and Women's Health and Genetics/Laboratory Corporation of America, LabCorp); PubMed 33471991 (cited by 3 submitters); PubMed 30638113 (cited by Color Diagnostics, LLC DBA Color Health and All of Us Research Program, National Institutes of Health); PubMed 31853058 (cited by Color Diagnostics, LLC DBA Color Health); PubMed 33609447 (cited by Color Diagnostics, LLC DBA Color Health and Women's Health and Genetics/Laboratory Corporation of America, LabCorp); PubMed 39779857 (cited by Color Diagnostics, LLC DBA Color Health); PubMed 29884841 (cited by All of Us Research Program, National Institutes of Health and Ambry Genetics).